The following is an entry in ClinVar:

ClinVar aggregate classification (germline): Conflicting classifications of pathogenicity. Review status: criteria provided, conflicting classifications (1 of 4 stars). 3 submissions from 3 submitters: Uncertain significance (1); Likely benign (1). 1 of the submissions does not count toward it. Last evaluated 2023-09-21.

Conditions:
DHCR7-related disorder. Also called: DHCR7-related condition.
Smith-Lemli-Opitz syndrome (SLOS). Also called: POLYDACTYLY, SEX REVERSAL, RENAL HYPOPLASIA, AND UNILOBAR LUNG; RSH SYNDROME; RUTLEDGE LETHAL MULTIPLE CONGENITAL ANOMALY SYNDROME; LETHAL ACRODYSGENITAL SYNDROME; 7-Dehydrocholesterol reductase deficiency. Identifiers: Orphanet 818, MedGen C0175694, MONDO:0010035, OMIM 270400.

Allele frequency attached by ClinVar (database versions not stated): gnomAD exomes below 0.00001 and 0.00001; TOPMed below 0.00001; gnomAD 0.00001.

Submissions (3):

Labcorp Genetics (formerly Invitae), Labcorp
Classification: Likely benign for Smith-Lemli-Opitz syndrome. Last evaluated: 2023-09-21. Review status: criteria provided, single submitter. Criteria: Invitae Variant Classification Sherloc (09022015). Collection method: clinical testing. Allele origin: germline.

Eurofins Ntd Llc (ga)
Classification: Uncertain significance. Last evaluated: 2018-06-29. Review status: criteria provided, single submitter. Criteria: EGL ClinVar v180209 classification definitions. Collection method: clinical testing. Allele origin: germline. Observed: 1 variant allele, 1 heterozygote.

PreventionGenetics, part of Exact Sciences
Classification: Likely benign for DHCR7-related condition. Last evaluated: 2021-12-13. Review status: no assertion criteria provided. Collection method: clinical testing. Allele origin: germline. Not counted in ClinVar's aggregate classification.
Comment: This variant is classified as likely benign based on ACMG/AMP sequence variant interpretation guidelines (Richards et al. 2015 PMID: 25741868, with internal and published modifications).

NM_001360.3(DHCR7):c.831+7G>A

Gene: DHCR7 (7-dehydrocholesterol reductase; minus strand). Cytogenetic location: 11q13.4.
Variant type: single nucleotide variant.
Coding change: c.831+7G>A on transcript NM_001360.3 (MANE Select); 7 bases into the intron after coding-DNA position 831, G replaced by A.
Molecular consequence: intron variant.
Genome position (GRCh38, 1-based): chr11:71,438,872, C>T on the plus strand (G>A on the coding strand, the complement: DHCR7 is on the minus strand). VCF-style: chr11-71438872-C-T. GRCh37 (hg19) VCF-style: chr11-71149918-C-T.
Other names: c.831+7G>A (NM_001163817.2, NM_001360.2).
Identifiers: ClinVar variation 597874 (VCV000597874.14), dbSNP rs1318919210, ClinGen allele CA600241269.
Genomic context (GRCh38, chr11:71,438,872, plus strand): 5'-CTGGCTTGCGGGTTCCCCCAGAGCCTGCCGGCATCGGCGTTTCACCCTCTCCAGCCATGA[C>T]AGGCACCTGCAGGACGTTGACCAGGACCATGGCATTGGTCACATGGCTGTGGAGCTCCCG-3'